The following is an entry in ClinVar:

NM_012193.4(FZD4):c.1268A>C (p.Asp423Ala)

Genes: FZD4 (frizzled class receptor 4; minus strand), PRSS23 (serine protease 23; plus strand). Cytogenetic location: 11q14.2.
Variant type: single nucleotide variant.
Coding change: c.1268A>C on transcript NM_012193.4 (MANE Select); coding-DNA position 1268, A replaced by C.
Protein change: p.Asp423Ala; replaces aspartic acid 423 with alanine.
Molecular consequence: missense variant. On other transcripts: non-coding transcript variant (2).
Genome position (GRCh38, 1-based): chr11:86,951,488, T>G on the plus strand (A>C on the coding strand, the complement: FZD4 is on the minus strand). VCF-style: chr11-86951488-T-G. GRCh37 (hg19) VCF-style: chr11-86662530-T-G.
Other names: short protein forms D423A.
Identifiers: ClinVar variation 1461436 (VCV001461436.8), dbSNP rs952974198, ClinGen allele CA382012107.

ClinVar aggregate classification (germline): Uncertain significance (1 of 4 stars; one submission).

Submission:

Labcorp Genetics (formerly Invitae), Labcorp
Classification: Uncertain significance. Last evaluated: 2022-02-08. Review status: criteria provided, single submitter. Criteria: Invitae Variant Classification Sherloc (09022015). Collection method: clinical testing. Allele origin: germline.
Comment: This sequence change replaces aspartic acid, which is acidic and polar, with alanine, which is neutral and non-polar, at codon 423 of the FZD4 protein (p.Asp423Ala). This variant is not present in population databases (gnomAD no frequency). This variant has not been reported in the literature in individuals affected with FZD4-related conditions. Algorithms developed to predict the effect of missense changes on protein structure and function are either unavailable or do not agree on the potential impact of this missense change (SIFT: "Deleterious"; PolyPhen-2: "Probably Damaging"; Align-GVGD: "Class C0"). In summary, the available evidence is currently insufficient to determine the role of this variant in disease. Therefore, it has been classified as a Variant of Uncertain Significance.